The following is an entry in ClinVar:

NM_000179.3(MSH6):c.517C>T (p.Leu173=)

Gene: MSH6 (mutS homolog 6; plus strand). Cytogenetic location: 2p16.3.
Variant type: single nucleotide variant.
Coding change: c.517C>T on transcript NM_000179.3 (MANE Select); coding-DNA position 517, C replaced by T.
Protein change: p.Leu173=; no amino-acid change (leucine 173 retained).
Molecular consequence: synonymous variant. On other transcripts: 5 prime UTR variant (5), non-coding transcript variant (5), intron variant (8).
Genome position (GRCh38, 1-based): chr2:47,795,953, C>T. VCF-style: chr2-47795953-C-T. GRCh37 (hg19) VCF-style: chr2-48023092-C-T.
Other names: c.-386C>T (NM_001281494.2); c.613C>T, p.Leu205= (NM_001406795.1, NM_001406802.1); c.517C>T, p.Leu173= (NM_001406796.1, NM_001406798.1, NM_001406800.1 and 5 more transcripts); c.220C>T, p.Leu74= (NM_001406797.1, NM_001406801.1, NM_001406805.1 and 10 more transcripts); c.-9C>T (NM_001406799.1, NM_001406806.1, NM_001406807.1); c.439C>T, p.Leu147= (NM_001406804.1); c.523C>T, p.Leu175= (NM_001406813.1); c.-478C>T (NM_001406814.1); and 3 more.
Identifiers: ClinVar variation 4532890 (VCV004532890.2).

ClinVar aggregate classification (germline): Conflicting classifications of pathogenicity. Review status: criteria provided, conflicting classifications (1 of 4 stars). 2 submissions from 2 submitters: Uncertain significance (1); Likely benign (1). Last evaluated 2025-10-22.

Conditions:
Hereditary nonpolyposis colorectal neoplasms. Identifiers: MedGen C0009405, MeSH D003123.

gnomAD v4.1: 1 of 1,614,094 alleles (0.000062%); highest among the groups gnomAD compares: Non-Finnish European, 0.000085%; no homozygotes.

Submissions (2):

Quest Diagnostics Nichols Institute San Juan Capistrano
Classification: Uncertain significance. Last evaluated: 2025-10-22. Review status: criteria provided, single submitter. Criteria: Quest Diagnostics criteria. Collection method: clinical testing. Allele origin: unknown.
Comment: The MSH6 c.517C>T variant has not been reported in individuals with MSH6-related conditions in the published literature. This variant also has not been reported in large, multi-ethnic general populations (Genome Aggregation Database). Analysis of this variant using software algorithms for the prediction of the effect of nucleotide changes on splicing yielded predictions that this variant does not affect PMS2 mRNA splicing. Based on the available information, we are unable to determine the clinical significance of this variant.

Labcorp Genetics (formerly Invitae), Labcorp
Classification: Likely benign for Hereditary nonpolyposis colorectal neoplasms. Last evaluated: 2025-06-18. Review status: criteria provided, single submitter. Criteria: Invitae Variant Classification Sherloc (09022015). Collection method: clinical testing. Allele origin: germline.